The following is an entry in ClinVar:

NM_001267550.2(TTN):c.98023G>A (p.Val32675Ile)

Genes: TTN (titin; minus strand), TTN-AS1 (TTN antisense RNA 1; plus strand). Cytogenetic location: 2q31.2.
Variant type: single nucleotide variant.
Coding change: c.98023G>A on transcript NM_001267550.2 (MANE Select); coding-DNA position 98023, G replaced by A.
Protein change: p.Val32675Ile; replaces valine 32675 with isoleucine.
Molecular consequence: missense variant. On other transcripts: non-coding transcript variant (1).
Genome position (GRCh38, 1-based): chr2:178,540,143, C>T on the plus strand (G>A on the coding strand, the complement: TTN is on the minus strand). VCF-style: chr2-178540143-C-T. GRCh37 (hg19) VCF-style: chr2-179404870-C-T.
Other names: c.93100G>A, p.Val31034Ile (NM_001256850.1); c.70828G>A, p.Val23610Ile (NM_003319.4); c.90319G>A, p.Val30107Ile (NM_133378.4); c.71203G>A, p.Val23735Ile (NM_133432.3); c.71404G>A, p.Val23802Ile (NM_133437.4); short protein forms V30107I, V32675I, V23735I, V31034I, V23610I, V23802I.
Identifiers: ClinVar variation 677006 (VCV000677006.6), dbSNP rs576274929, ClinGen allele CA1986452.

ClinVar aggregate classification (germline): Conflicting classifications of pathogenicity. Review status: criteria provided, conflicting classifications (1 of 4 stars). 5 submissions from 5 submitters: Uncertain significance (1); Likely benign (4). Last evaluated 2026-09-01.

Conditions:
Cardiovascular phenotype. Identifiers: MedGen CN230736.

Allele frequency attached by ClinVar (database versions not stated): gnomAD 0.00003 and 0.00004; TOPMed 0.00005; gnomAD exomes 0.00006; ExAC 0.00008; 1000 Genomes Project 30x 0.00016; 1000 Genomes Project 0.00020.

Submissions (5):

CeGaT Center for Human Genetics Tuebingen
Classification: Uncertain significance. Last evaluated: 2026-09-01. Review status: criteria provided, single submitter. Criteria: CeGaT Center For Human Genetics Tuebingen Variant Classification Criteria Version 2. Collection method: clinical testing. Allele origin: germline. Affected: yes. Observed: 1 variant allele.
Comment: TTN: PM2, BP4

Molecular Diagnostic Laboratory for Inherited Cardiovascular Disease, Montreal Heart Institute
Classification: Likely benign. Last evaluated: 2025-07-24. Review status: criteria provided, single submitter. Criteria: ACMG Guidelines, 2015. Collection method: clinical testing. Allele origin: germline. Affected: no.
Comment: BP1

Blueprint Genetics
Classification: Likely benign. Last evaluated: 2024-03-11. Review status: criteria provided, single submitter. Criteria: ACMG Guidelines, 2015. Collection method: clinical testing. Allele origin: germline.

Ambry Genetics
Classification: Likely benign for Cardiovascular phenotype. Last evaluated: 2019-09-27. Review status: criteria provided, single submitter. Criteria: Ambry Variant Classification Scheme 2023. Collection method: clinical testing. Allele origin: germline.

GeneDx
Classification: Likely benign. Last evaluated: 2018-05-11. Review status: criteria provided, single submitter. Criteria: GeneDx Variant Classification (06012015). Collection method: clinical testing. Allele origin: germline. Affected: yes.
Comment: This variant is considered likely benign or benign based on one or more of the following criteria: it is a conservative change, it occurs at a poorly conserved position in the protein, it is predicted to be benign by multiple in silico algorithms, and/or has population frequency not consistent with disease.